The following is an entry in ClinVar:

ClinVar aggregate classification (germline): Uncertain significance (1 of 4 stars; one submission).

Conditions:
Cardiovascular phenotype. Identifiers: MedGen CN230736.

gnomAD v4.1: 32 of 1,612,582 alleles (0.002%); highest among the groups gnomAD compares: South Asian, 0.0066%; no homozygotes.

Submission:

Ambry Genetics
Classification: Uncertain significance for Cardiovascular phenotype. Last evaluated: 2025-03-04. Review status: criteria provided, single submitter. Criteria: Ambry Variant Classification Scheme 2023. Collection method: clinical testing. Allele origin: germline.
Comment: The p.R2584H variant (also known as c.7751G>A), located in coding exon 21 of the TNXB gene, results from a G to A substitution at nucleotide position 7751. The arginine at codon 2584 is replaced by histidine, an amino acid with highly similar properties. This amino acid position is conserved. In addition, this alteration is predicted to be tolerated by in silico analysis. Based on the available evidence, the clinical significance of this variant remains unclear.

NM_001365276.2(TNXB):c.7751G>A (p.Arg2584His)

Gene: TNXB (tenascin XB; minus strand). Cytogenetic location: 6p21.33.
Variant type: single nucleotide variant.
Coding change: c.7751G>A on transcript NM_001365276.2 (MANE Select); coding-DNA position 7751, G replaced by A.
Protein change: p.Arg2584His; replaces arginine 2584 with histidine.
Molecular consequence: missense variant.
Genome position (GRCh38, 1-based): chr6:32,058,132, C>T on the plus strand (G>A on the coding strand, the complement: TNXB is on the minus strand). VCF-style: chr6-32058132-C-T. GRCh37 (hg19) VCF-style: chr6-32025909-C-T.
Other names: c.8492G>A, p.Arg2831His (NM_001428335.1); c.7751G>A, p.Arg2584His (NM_019105.8); short protein forms R2584H, R2831H.
Identifiers: ClinVar variation 3809295 (VCV003809295.1).